The following is an entry in ClinVar:

NM_198334.3(GANAB):c.2413C>T (p.Arg805Cys)

Gene: GANAB (glucosidase II alpha subunit; minus strand). Cytogenetic location: 11q12.3.
Variant type: single nucleotide variant.
Coding change: c.2413C>T on transcript NM_198334.3 (MANE Select); coding-DNA position 2413, C replaced by T.
Protein change: p.Arg805Cys; replaces arginine 805 with cysteine.
Molecular consequence: missense variant.
Genome position (GRCh38, 1-based): chr11:62,626,669, G>A on the plus strand (C>T on the coding strand, the complement: GANAB is on the minus strand). VCF-style: chr11-62626669-G-A. GRCh37 (hg19) VCF-style: chr11-62394141-G-A.
Other names: c.2137C>T, p.Arg713Cys (NM_001278192.2); c.2071C>T, p.Arg691Cys (NM_001278193.2); c.2122C>T, p.Arg708Cys (NM_001278194.2, NM_001329222.2, NM_001329223.2); c.1690C>T, p.Arg564Cys (NM_001329224.2, NM_001329225.2); c.2479C>T, p.Arg827Cys (NM_198335.4); short protein forms R691C, R827C, R564C, R708C, R713C, R805C.
Identifiers: ClinVar variation 4777880 (VCV004777880.1).

ClinVar aggregate classification (germline): Uncertain significance (1 of 4 stars; one submission).

gnomAD v4.1: 14 of 1,603,952 alleles (0.00087%); highest among the groups gnomAD compares: Non-Finnish European, 0.0012%; no homozygotes.

Submission:

Labcorp Genetics (formerly Invitae), Labcorp
Classification: Uncertain significance. Last evaluated: 2026-01-27. Review status: criteria provided, single submitter. Criteria: Invitae Variant Classification Sherloc (09022015). Collection method: clinical testing. Allele origin: germline.
Comment: This sequence change replaces arginine, which is basic and polar, with cysteine, which is neutral and slightly polar, at codon 827 of the GANAB protein (p.Arg827Cys). This variant is present in population databases (no rsID available, gnomAD 0.004%). This variant has not been reported in the literature in individuals affected with GANAB-related conditions. Invitae Evidence Modeling of protein sequence and biophysical properties (such as structural, functional, and spatial information, amino acid conservation, physicochemical variation, residue mobility, and thermodynamic stability) indicates that this missense variant is expected to disrupt GANAB protein function with a positive predictive value of 80%. In summary, the available evidence is currently insufficient to determine the role of this variant in disease. Therefore, it has been classified as a Variant of Uncertain Significance.